The following is an entry in ClinVar:

NM_005236.3(ERCC4):c.1638C>T (p.Ile546=)

Gene: ERCC4 (ERCC excision repair 4, endonuclease catalytic subunit; plus strand). Cytogenetic location: 16p13.12.
Variant type: single nucleotide variant.
Coding change: c.1638C>T on transcript NM_005236.3 (MANE Select); coding-DNA position 1638, C replaced by T.
Protein change: p.Ile546=; no amino-acid change (isoleucine 546 retained).
Molecular consequence: synonymous variant.
Genome position (GRCh38, 1-based): chr16:13,935,570, C>T. VCF-style: chr16-13935570-C-T. GRCh37 (hg19) VCF-style: chr16-14029427-C-T.
Identifiers: ClinVar variation 3031288 (VCV003031288.2), dbSNP rs1340075563, ClinGen allele CA493689872.

ClinVar aggregate classification (germline): Likely benign (0 of 4 stars; one submission).

Conditions:
ERCC4-related disorder. Also called: ERCC4-related condition.

Allele frequency attached by ClinVar (database versions not stated): gnomAD exomes below 0.00001; TOPMed below 0.00001; gnomAD 0.00001.
gnomAD v4.1: 3 of 1,614,040 alleles (0.00019%); highest among the groups gnomAD compares: African/African-American, 0.0027%; no homozygotes.

Submission:

PreventionGenetics, part of Exact Sciences
Classification: Likely benign for ERCC4-related condition. Last evaluated: 2023-12-26. Review status: no assertion criteria provided. Collection method: clinical testing. Allele origin: germline.
Comment: This variant is classified as likely benign based on ACMG/AMP sequence variant interpretation guidelines (Richards et al. 2015 PMID: 25741868, with internal and published modifications).